The following is an entry in ClinVar:

ClinVar aggregate classification (germline): Uncertain significance. Review status: criteria provided, multiple submitters, no conflicts (2 of 4 stars). 2 submissions from 2 submitters: Uncertain significance (2). Last evaluated 2024-12-12.

Conditions:
Hypertrophic cardiomyopathy. Also called: HYPERTROPHIC MYOCARDIOPATHY. Identifiers: Orphanet 217569, MedGen C0007194, MeSH D002312, MONDO:0005045, HP:0001639.

Submissions (2):

Labcorp Genetics (formerly Invitae), Labcorp
Classification: Uncertain significance for Hypertrophic cardiomyopathy. Last evaluated: 2024-12-12. Review status: criteria provided, single submitter. Criteria: Invitae Variant Classification Sherloc (09022015). Collection method: clinical testing. Allele origin: germline.
Comment: This sequence change replaces glycine, which is neutral and non-polar, with serine, which is neutral and polar, at codon 1016 of the MYBPC3 protein (p.Gly1016Ser). This variant is not present in population databases (gnomAD no frequency). This variant has not been reported in the literature in individuals affected with MYBPC3-related conditions. An algorithm developed to predict the effect of missense changes on protein structure and function outputs the following: PolyPhen-2: "Benign". The serine amino acid residue is found in multiple mammalian species, which suggests that this missense change does not adversely affect protein function. In summary, the available evidence is currently insufficient to determine the role of this variant in disease. Therefore, it has been classified as a Variant of Uncertain Significance.

All of Us Research Program, National Institutes of Health
Classification: Uncertain significance for Hypertrophic cardiomyopathy. Last evaluated: 2024-02-22. Review status: criteria provided, single submitter. Criteria: ACMG Guidelines, 2015. Collection method: clinical testing. Allele origin: germline. Inheritance: Autosomal dominant inheritance. Observed: 1 variant allele, 1 heterozygote.
Comment: This missense variant replaces glycine with serine at codon 1016 of the MYBPC3 protein. Computational prediction tools indicate that this variant has a neutral impact on protein structure and function. To our knowledge, functional studies have not been reported for this variant. This variant has not been reported in individuals affected with MYBPC3-related disorders in the literature. This variant has not been identified in the general population by the Genome Aggregation Database (gnomAD). The available evidence is insufficient to determine the role of this variant in disease conclusively. Therefore, this variant is classified as a Variant of Uncertain Significance.

This study involves interpretation of variants in research participants for the purpose of population health screening. Participant phenotype was not available at the time of variant classification. Additional details can be found in publication PMID: 35346344, PMCID: PMC8962531

NM_000256.3(MYBPC3):c.3046G>A (p.Gly1016Ser)

Gene: MYBPC3 (myosin binding protein C3; minus strand). Cytogenetic location: 11p11.2.
Variant type: single nucleotide variant.
Coding change: c.3046G>A on transcript NM_000256.3 (MANE Select); coding-DNA position 3046, G replaced by A.
Protein change: p.Gly1016Ser; replaces glycine 1016 with serine.
Molecular consequence: missense variant.
Genome position (GRCh38, 1-based): chr11:47,333,701, C>T on the plus strand (G>A on the coding strand, the complement: MYBPC3 is on the minus strand). VCF-style: chr11-47333701-C-T. GRCh37 (hg19) VCF-style: chr11-47355252-C-T.
Other names: short protein forms G1016S.
Identifiers: ClinVar variation 3387101 (VCV003387101.3).